The following is an entry in ClinVar:

ClinVar aggregate classification (germline): Benign (1 of 4 stars; one submission).

Conditions:
Hereditary diffuse gastric adenocarcinoma (HDGC). Also called: DIFFUSE GASTRIC AND LOBULAR BREAST CANCER SYNDROME. Identifiers: Orphanet 26106, MedGen C1708349, MONDO:0007648, OMIM 137215.

Submission:

Myriad Genetics, Inc.
Classification: Benign for Hereditary diffuse gastric adenocarcinoma. Last evaluated: 2024-09-13. Review status: criteria provided, single submitter. Criteria: Myriad Autosomal Dominant, Autosomal Recessive and X-Linked Classification Criteria (2023). Collection method: clinical testing. Allele origin: unknown.
Comment: This variant is considered benign. This variant is a silent/synonymous amino acid change and it is not expected to impact splicing.

NM_004360.5(CDH1):c.444C>A (p.Gly148=)

Gene: CDH1 (cadherin 1; plus strand). Cytogenetic location: 16q22.1.
Variant type: single nucleotide variant.
Coding change: c.444C>A on transcript NM_004360.5 (MANE Select); coding-DNA position 444, C replaced by A.
Protein change: p.Gly148=; no amino-acid change (glycine 148 retained).
Molecular consequence: synonymous variant. On other transcripts: 5 prime UTR variant (2).
Genome position (GRCh38, 1-based): chr16:68,808,480, C>A. VCF-style: chr16-68808480-C-A. GRCh37 (hg19) VCF-style: chr16-68842383-C-A.
Other names: c.444C>A, p.Gly148= (NM_001317184.2); c.-1172C>A (NM_001317185.2); c.-1376C>A (NM_001317186.2).
Identifiers: ClinVar variation 3378561 (VCV003378561.1).